The following is an entry in ClinVar:

NM_001001433.3(STX16):c.-63T>C

Genes: STX16 (syntaxin 16; plus strand), STX16-NPEPL1 (STX16-NPEPL1 readthrough (NMD candidate); plus strand). Cytogenetic location: 20q13.32.
Variant type: single nucleotide variant.
Coding change: c.-63T>C on transcript NM_001001433.3 (MANE Select); 63 bases upstream of the start codon, T replaced by C.
Molecular consequence: 5 prime UTR variant. On other transcripts: non-coding transcript variant (2), intron variant (1).
Genome position (GRCh38, 1-based): chr20:58,651,944, T>C. VCF-style: chr20-58651944-T-C. GRCh37 (hg19) VCF-style: chr20-57227000-T-C.
Other names: c.-63T>C (NM_001134772.3, NM_001134773.3, NM_003763.6); c.-93-129T>C (NM_001204868.2).
Identifiers: ClinVar variation 339042 (VCV000339042.6), dbSNP rs181473720, ClinGen allele CA10652703.

ClinVar aggregate classification (germline): Benign. Review status: criteria provided, multiple submitters, no conflicts (2 of 4 stars). 2 submissions from 2 submitters: Benign (2). Last evaluated 2018-01-13.

Conditions:
Pseudohypoparathyroidism type 1B (PHP1B). Also called: PHP IB; Pseudohypoparathyroidism Ib (PHP-Ib); Pseudohypoparathyroidism Type IB. Identifiers: Orphanet 94089, MedGen C1864100, MONDO:0011301, OMIM 603233.

Allele frequency attached by ClinVar (database versions not stated): 1000 Genomes Project 30x 0.00047; 1000 Genomes Project 0.00060; gnomAD 0.00095 and 0.00098; TOPMed 0.00100; gnomAD exomes 0.00152.
gnomAD v4.1: 2,247 of 1,565,576 alleles (0.14%); highest among the groups gnomAD compares: Non-Finnish European, 0.18%; 3 homozygotes.

Submissions (2):

Illumina Laboratory Services, Illumina
Classification: Benign for Pseudohypoparathyroidism type 1B. Last evaluated: 2018-01-13. Review status: criteria provided, single submitter. Criteria: ICSL Variant Classification Criteria 13 December 2019. Collection method: clinical testing. Allele origin: germline.
Comment: This variant was observed in the ICSL laboratory as part of a predisposition screen in an ostensibly healthy population. It had not been previously curated by ICSL or reported in the Human Gene Mutation Database (HGMD: prior to June 1st, 2018), and was therefore a candidate for classification through an automated scoring system. Utilizing variant allele frequency, disease prevalence and penetrance estimates, and inheritance mode, an automated score was calculated to assess if this variant is too frequent to cause the disease. Based on the score and internal cut-off values, a variant classified as benign is not then subjected to further curation. The score for this variant resulted in a classification of benign for this disease.

Breakthrough Genomics
Classification: Benign. Review status: criteria provided, single submitter. Criteria: ACMG Guidelines, 2015. Collection method: not provided. Allele origin: germline. Inheritance: Autosomal dominant inheritance. Affected: yes.